The following is an entry in ClinVar:

NM_005956.4(MTHFD1):c.700A>G (p.Ile234Val)

Gene: MTHFD1 (methylenetetrahydrofolate dehydrogenase, cyclohydrolase and formyltetrahydrofolate synthetase 1; plus strand). Cytogenetic location: 14q23.3.
Variant type: single nucleotide variant.
Coding change: c.700A>G on transcript NM_005956.4 (MANE Select); coding-DNA position 700, A replaced by G.
Protein change: p.Ile234Val; replaces isoleucine 234 with valine.
Molecular consequence: missense variant.
Genome position (GRCh38, 1-based): chr14:64,419,898, A>G. VCF-style: chr14-64419898-A-G. GRCh37 (hg19) VCF-style: chr14-64886616-A-G.
Other names: c.700A>G, p.Ile234Val (NM_001364837.1); short protein forms I234V.
Identifiers: ClinVar variation 1896910 (VCV001896910.2), dbSNP rs1245446628, ClinGen allele CA389979367.

ClinVar aggregate classification (germline): Uncertain significance (1 of 4 stars; one submission).

Allele frequency attached by ClinVar (database versions not stated): gnomAD 0.00001; gnomAD exomes 0.00001; TOPMed 0.00001.
gnomAD v4.1: 12 of 1,613,920 alleles (0.00074%); highest among the groups gnomAD compares: Admixed American, 0.017%; no homozygotes.

Submission:

Labcorp Genetics (formerly Invitae), Labcorp
Classification: Uncertain significance. Last evaluated: 2022-07-19. Review status: criteria provided, single submitter. Criteria: Invitae Variant Classification Sherloc (09022015). Collection method: clinical testing. Allele origin: germline.
Comment: This sequence change replaces isoleucine, which is neutral and non-polar, with valine, which is neutral and non-polar, at codon 234 of the MTHFD1 protein (p.Ile234Val). This variant is present in population databases (no rsID available, gnomAD 0.006%). This variant has not been reported in the literature in individuals affected with MTHFD1-related conditions. Algorithms developed to predict the effect of missense changes on protein structure and function (SIFT, PolyPhen-2, Align-GVGD) all suggest that this variant is likely to be disruptive. In summary, the available evidence is currently insufficient to determine the role of this variant in disease. Therefore, it has been classified as a Variant of Uncertain Significance.